The following is an entry in ClinVar:

NM_001003800.2(BICD2):c.692G>A (p.Arg231His)

Gene: BICD2 (BICD cargo adaptor 2; minus strand). Cytogenetic location: 9q22.31.
Variant type: single nucleotide variant.
Coding change: c.692G>A on transcript NM_001003800.2 (MANE Select); coding-DNA position 692, G replaced by A.
Protein change: p.Arg231His; replaces arginine 231 with histidine.
Molecular consequence: missense variant.
Genome position (GRCh38, 1-based): chr9:92,720,670, C>T on the plus strand (G>A on the coding strand, the complement: BICD2 is on the minus strand). VCF-style: chr9-92720670-C-T. GRCh37 (hg19) VCF-style: chr9-95482952-C-T.
Other names: p.Arg231His; c.692G>A, p.Arg231His (NM_015250.4); short protein forms R231H.
Identifiers: ClinVar variation 3379879 (VCV003379879.1).

ClinVar aggregate classification (germline): Uncertain significance (1 of 4 stars; one submission).

gnomAD v4.1: 9 of 1,614,182 alleles (0.00056%); highest among the groups gnomAD compares: South Asian, 0.0033%; no homozygotes.

Submission:

Mayo Clinic Laboratories, Mayo Clinic
Classification: Uncertain significance. Last evaluated: 2023-12-07. Review status: criteria provided, single submitter. Criteria: ACMG Guidelines, 2015. Collection method: clinical testing. Allele origin: germline. Observed: 1 variant allele.
Comment: BS2